The following is an entry in ClinVar:

NM_002579.3(PALM):c.507G>A (p.Met169Ile)

Gene: PALM (paralemmin; plus strand). Cytogenetic location: 19p13.3.
Variant type: single nucleotide variant.
Coding change: c.507G>A on transcript NM_002579.3 (MANE Select); coding-DNA position 507, G replaced by A.
Protein change: p.Met169Ile; replaces methionine 169 with isoleucine.
Molecular consequence: missense variant. On other transcripts: intron variant (1).
Genome position (GRCh38, 1-based): chr19:740,356, G>A. VCF-style: chr19-740356-G-A. GRCh37 (hg19) VCF-style: chr19-740356-G-A.
Other names: c.502+4278G>A (NM_001040134.2); short protein forms M169I.
Identifiers: ClinVar variation 2815988 (VCV002815988.3), dbSNP rs2511987645, ClinGen allele CA402886411.

ClinVar aggregate classification (germline): Uncertain significance (1 of 4 stars; one submission).

Submission:

Labcorp Genetics (formerly Invitae), Labcorp
Classification: Uncertain significance. Last evaluated: 2024-07-15. Review status: criteria provided, single submitter. Criteria: Invitae Variant Classification Sherloc (09022015). Collection method: clinical testing. Allele origin: germline.
Comment: This sequence change replaces methionine, which is neutral and non-polar, with isoleucine, which is neutral and non-polar, at codon 169 of the PALM protein (p.Met169Ile). This variant is not present in population databases (gnomAD no frequency). This variant has not been reported in the literature in individuals affected with PALM-related conditions. An algorithm developed to predict the effect of missense changes on protein structure and function (PolyPhen-2) suggests that this variant is likely to be tolerated. In summary, the available evidence is currently insufficient to determine the role of this variant in disease. Therefore, it has been classified as a Variant of Uncertain Significance.